The following is an entry in ClinVar:

ClinVar aggregate classification (germline): Uncertain significance (1 of 4 stars; one submission).

Conditions:
Dystonic disorder. Also called: Dystonia. Identifiers: MedGen C0013421, MONDO:0003441, HP:0001332.

Submission:

Labcorp Genetics (formerly Invitae), Labcorp
Classification: Uncertain significance for Dystonic disorder. Last evaluated: 2022-09-14. Review status: criteria provided, single submitter. Criteria: Invitae Variant Classification Sherloc (09022015). Collection method: clinical testing. Allele origin: germline.
Comment: Advanced modeling of protein sequence and biophysical properties (such as structural, functional, and spatial information, amino acid conservation, physicochemical variation, residue mobility, and thermodynamic stability) performed at Invitae indicates that this missense variant is not expected to disrupt GNAL protein function. This sequence change replaces asparagine, which is neutral and polar, with isoleucine, which is neutral and non-polar, at codon 7 of the GNAL protein (p.Asn7Ile). This variant is not present in population databases (gnomAD no frequency). This variant has not been reported in the literature in individuals affected with GNAL-related conditions. In summary, the available evidence is currently insufficient to determine the role of this variant in disease. Therefore, it has been classified as a Variant of Uncertain Significance.

NM_001369387.1(GNAL):c.20A>T (p.Asn7Ile)

Gene: GNAL (G protein subunit alpha L; plus strand). Cytogenetic location: 18p11.21.
Variant type: single nucleotide variant.
Coding change: c.20A>T on transcript NM_001369387.1 (MANE Plus Clinical); coding-DNA position 20, A replaced by T.
Protein change: p.Asn7Ile; replaces asparagine 7 with isoleucine.
Molecular consequence: missense variant. On other transcripts: intron variant (1).
Genome position (GRCh38, 1-based): chr18:11,752,453, A>T. VCF-style: chr18-11752453-A-T. GRCh37 (hg19) VCF-style: chr18-11752452-A-T.
Other names: c.20A>T, p.Asn7Ile (NM_001142339.3, NM_001261443.2); c.377-400A>T (NM_182978.4); short protein forms N7I.
Identifiers: ClinVar variation 1718603 (VCV001718603.5), dbSNP rs769324807, ClinGen allele CA401925569.